The following is an entry in ClinVar:

ClinVar aggregate classification (germline): Uncertain significance (1 of 4 stars; one submission).

Submission:

GeneDx
Classification: Uncertain significance. Last evaluated: 2026-04-14. Review status: criteria provided, single submitter. Criteria: GeneDx Variant Classification Process June 2021. Collection method: clinical testing. Allele origin: germline.
Comment: Not observed at significant frequency in large population cohorts (gnomAD); This substitution is predicted to be in the cytoplasmic loop between the first and second homologous domains; In silico analysis supports that this missense variant has a deleterious effect on protein structure/function; Has not been previously published as pathogenic or benign to our knowledge

NM_001040142.2(SCN2A):c.1797C>A (p.Ser599Arg)

Gene: SCN2A (sodium voltage-gated channel alpha subunit 2; plus strand). Cytogenetic location: 2q24.3.
Variant type: single nucleotide variant.
Coding change: c.1797C>A on transcript NM_001040142.2 (MANE Select); coding-DNA position 1797, C replaced by A.
Protein change: p.Ser599Arg; replaces serine 599 with arginine.
Molecular consequence: missense variant.
Genome position (GRCh38, 1-based): chr2:165,323,281, C>A. VCF-style: chr2-165323281-C-A. GRCh37 (hg19) VCF-style: chr2-166179791-C-A.
Other names: c.1797C>A, p.Ser599Arg (NM_001040143.2, NM_001371246.1, NM_001371247.1 and 1 more transcripts); short protein forms S599R.
Identifiers: ClinVar variation 4755916 (VCV004755916.2).